The following is an entry in ClinVar:

ClinVar aggregate classification (germline): Pathogenic/Likely pathogenic. Review status: criteria provided, multiple submitters, no conflicts (2 of 4 stars). 9 submissions from 9 submitters: Pathogenic (3); Likely pathogenic (6). Last evaluated 2026-06-02.

Conditions:
Joubert syndrome and related disorders. Identifiers: Orphanet 140874, MedGen C5679612, MONDO:0015369.
C5ORF42 & CPLANE1-related disorders.
Joubert syndrome 17 (JBTS17). Identifiers: Orphanet 475, MedGen C3553264, MONDO:0013824, OMIM 614615.
Orofaciodigital syndrome type 6 (OFD6). Also called: OROFACIODIGITAL SYNDROME VI; OFDS VI; POLYDACTYLY, CLEFT LIP/PALATE OR LINGUAL LUMP, AND PSYCHOMOTOR RETARDATION; VARADI SYNDROME; VARADI-PAPP SYNDROME; Oral-facial-digital syndrome type 6. Identifiers: Orphanet 2754, MedGen C2745997, MONDO:0010176, OMIM 277170.
Inborn genetic diseases. Identifiers: MedGen C0950123, MeSH D030342.

Allele frequency attached by ClinVar (database versions not stated): ExAC 0.00001; gnomAD exomes 0.00001 and 0.00002; gnomAD 0.00002; TOPMed 0.00002; ESP Exome Variant Server 0.00008.
gnomAD v4.1: 32 of 1,613,470 alleles (0.002%); highest among the groups gnomAD compares: Non-Finnish European, 0.0027%; no homozygotes.

Submissions (9):

Women's Health and Genetics/Laboratory Corporation of America, LabCorp
Classification: Pathogenic for Joubert syndrome and related disorders. Last evaluated: 2026-06-02. Review status: criteria provided, single submitter. Criteria: LabCorp Variant Classification Summary - May 2015. Collection method: clinical testing. Allele origin: germline.
Comment: Variant summary: CPLANE1 c.5348C>A (p.Ala1783Asp) results in a non-conservative amino acid change in the encoded protein sequence. Algorithms developed to predict the effect of missense changes on protein structure and function are either unavailable or do not agree on the potential impact of this missense change. The variant allele was found at a frequency of 2e-05 in 1613470 control chromosomes. This frequency is not significantly higher than estimated for disease-causing variants in CPLANE1, allowing no conclusion about variant significance. c.5348C>A has been observed in individuals affected with Joubert Syndrome And Related Disorders (e.g. Kroes_2016, Fleming_2017, Asadollahi_2018, Bonnard_2018). These data indicate that the variant is likely to be associated with disease. To our knowledge, no experimental evidence demonstrating an impact on protein function has been reported. The following publications have been ascertained in the context of this evaluation (PMID: 29321670, 29605658, 29146704, 25920555, 25407461). ClinVar contains an entry for this variant (Variation ID: 427895). Based on the evidence outlined above, the variant was classified as pathogenic.

CeGaT Center for Human Genetics Tuebingen
Classification: Likely pathogenic. Last evaluated: 2025-10-01. Review status: criteria provided, single submitter. Criteria: CeGaT Center For Human Genetics Tuebingen Variant Classification Criteria Version 2. Collection method: clinical testing. Allele origin: germline. Affected: yes. Observed: 1 variant allele.
Comment: CPLANE1: PM3:Strong, PM2, PP4:Moderate, BP4

GeneDx
Classification: Likely pathogenic. Last evaluated: 2025-05-01. Review status: criteria provided, single submitter. Criteria: GeneDx Variant Classification Process June 2021. Collection method: clinical testing. Allele origin: germline.
Comment: Reported previously in two siblings with acrocallosal syndrome who harbored a second CPLANE1 variant in trans (PMID: 29321670); Not observed at significant frequency in large population cohorts (gnomAD); In silico analysis supports that this missense variant has a deleterious effect on protein structure/function; This variant is associated with the following publications: (PMID: 25407461, 25920555, 29321670, 29146704)

Labcorp Genetics (formerly Invitae), Labcorp
Classification: Pathogenic. Last evaluated: 2025-04-17. Review status: criteria provided, single submitter. Criteria: Invitae Variant Classification Sherloc (09022015). Collection method: clinical testing. Allele origin: germline.
Comment: This sequence change replaces alanine, which is neutral and non-polar, with aspartic acid, which is acidic and polar, at codon 1783 of the CPLANE1 protein (p.Ala1783Asp). This variant is present in population databases (rs200444162, gnomAD 0.003%). This missense change has been observed in individual(s) with Joubert syndrome (PMID: 25920555, 29321670). In at least one individual the data is consistent with being in trans (on the opposite chromosome) from a pathogenic variant. It has also been observed to segregate with disease in related individuals. ClinVar contains an entry for this variant (Variation ID: 427895). Invitae Evidence Modeling of protein sequence and biophysical properties (such as structural, functional, and spatial information, amino acid conservation, physicochemical variation, residue mobility, and thermodynamic stability) has been performed for this missense variant. However, the output from this modeling did not meet the statistical confidence thresholds required to predict the impact of this variant on CPLANE1 protein function. For these reasons, this variant has been classified as Pathogenic.

Blueprint Genetics
Classification: Pathogenic for C5ORF42 & CPLANE1-related disorders. Last evaluated: 2024-11-22. Review status: criteria provided, single submitter. Criteria: ACMG Guidelines, 2015. Collection method: clinical testing. Allele origin: germline. Affected: yes. Observed: 5 variant alleles.

3billion
Classification: Likely pathogenic for Joubert syndrome 17. Last evaluated: 2024-06-24. Review status: criteria provided, single submitter. Criteria: ACMG Guidelines, 2015. Collection method: clinical testing. Allele origin: germline. Affected: yes.
Comment: The variant is observed at an extremely low frequency in the gnomAD v4.0.0 dataset (total allele frequency: 0.002%). Predicted Consequence/Location: The majority of the known disease-causing variants of this gene are variants expected to result in premature termination of the protein. In silico tool predictions suggest damaging effect of the variant on gene or gene product [REVEL: 0.73 (>=0.6, sensitivity 0.68 and specificity 0.92)]. The same nucleotide change resulting in the same amino acid change has been previously reported as pathogenic/likely pathogenic with strong evidence (ClinVar ID: VCV000427895 /PMID: 25407461). Therefore, this variant is classified as Likely pathogenic according to the recommendation of ACMG/AMP guideline.

Fulgent Genetics
Classification: Likely pathogenic for Orofaciodigital syndrome type 6; Joubert syndrome 17. Last evaluated: 2024-04-19. Review status: criteria provided, single submitter. Criteria: ACMG Guidelines, 2015. Collection method: clinical testing. Allele origin: germline.

Ambry Genetics
Classification: Likely pathogenic for Inborn genetic diseases. Last evaluated: 2020-11-18. Review status: criteria provided, single submitter. Criteria: Ambry Variant Classification Scheme 2023. Collection method: clinical testing. Allele origin: germline.
Comment: The c.5348C>A (p.A1783D) alteration is located in exon 26 (coding exon 25) of the C5orf42 gene. This alteration results from a C to A substitution at nucleotide position 5348, causing the alanine (A) at amino acid position 1783 to be replaced by an aspartic acid (D). Based on data from the Genome Aggregation Database (gnomAD) database, the C5orf42 c.5348C>A alteration was observed in 0.0012% (3/250642) of total alleles studied, with a frequency of 0.0026% (3/113428) in the European (non-Finnish) subpopulation. This alteration has been detected in the compound heterozygous state in multiple individuals with features of Joubert syndrome (Asadollahi, 2018; Fleming, 2017). This amino acid position is highly conserved in available vertebrate species. The in silico prediction for the p.A1783D alteration is inconclusive. Based on the available evidence, this alteration is classified as likely pathogenic.

Institute of Medical Genetics, University of Zurich
Classification: Likely pathogenic for Joubert syndrome 17. Last evaluated: 2017-05-18. Review status: criteria provided, single submitter. Criteria: ACMG Guidelines, 2015. Collection method: clinical testing. Allele origin: inherited. Affected: yes. Observed: 2 compound heterozygotes.

Literature cited by the submitters: PubMed 25407461 (cited by 3 submitters); PubMed 29146704 (cited by Women's Health and Genetics/Laboratory Corporation of America, LabCorp and Ambry Genetics); PubMed 25920555 (cited by 3 submitters); PubMed 29605658 (cited by Women's Health and Genetics/Laboratory Corporation of America, LabCorp); PubMed 29321670 (cited by 4 submitters).

NM_001384732.1(CPLANE1):c.5348C>A (p.Ala1783Asp)

Gene: CPLANE1 (ciliogenesis and planar polarity effector complex subunit 1; minus strand). Cytogenetic location: 5p13.2.
Variant type: single nucleotide variant.
Coding change: c.5348C>A on transcript NM_001384732.1 (MANE Select); coding-DNA position 5348, C replaced by A.
Protein change: p.Ala1783Asp; replaces alanine 1783 with aspartic acid.
Molecular consequence: missense variant.
Genome position (GRCh38, 1-based): chr5:37,182,833, G>T on the plus strand (C>A on the coding strand, the complement: CPLANE1 is on the minus strand). VCF-style: chr5-37182833-G-T. GRCh37 (hg19) VCF-style: chr5-37182935-G-T.
Other names: c.5348C>A, p.Ala1783Asp (NM_023073.4); short protein forms A1783D.
Identifiers: ClinVar variation 427895 (VCV000427895.21), dbSNP rs200444162, ClinGen allele CA3238567.